The following is an entry in ClinVar:

ClinVar aggregate classification (germline): Likely benign (1 of 4 stars; one submission).

Allele frequency attached by ClinVar (database versions not stated): ExAC 0.00001; TOPMed 0.00001; gnomAD 0.00002; gnomAD exomes 0.00003.

Submission:

CeGaT Center for Human Genetics Tuebingen
Classification: Likely benign. Last evaluated: 2022-10-01. Review status: criteria provided, single submitter. Criteria: CeGaT Center For Human Genetics Tuebingen Variant Classification Criteria Version 2. Collection method: clinical testing. Allele origin: germline. Affected: yes. Observed: 1 variant allele.
Comment: ZNF407: BP4

NM_017757.3(ZNF407):c.6278C>T (p.Ala2093Val)

Gene: ZNF407 (zinc finger protein 407; plus strand). Cytogenetic location: 18q22.3.
Variant type: single nucleotide variant.
Coding change: c.6278C>T on transcript NM_017757.3 (MANE Select); coding-DNA position 6278, C replaced by T.
Protein change: p.Ala2093Val; replaces alanine 2093 with valine.
Molecular consequence: missense variant.
Genome position (GRCh38, 1-based): chr18:75,063,999, C>T. VCF-style: chr18-75063999-C-T. GRCh37 (hg19) VCF-style: chr18-72775955-C-T.
Other names: c.6278C>T, p.Ala2093Val (NM_001384475.1); short protein forms A2093V.
Identifiers: ClinVar variation 2648810 (VCV002648810.24), dbSNP rs760421255, ClinGen allele CA9001340.